The following is an entry in ClinVar:

ClinVar aggregate classification (germline): Uncertain significance. Review status: criteria provided, multiple submitters, no conflicts (2 of 4 stars). 3 submissions from 3 submitters: Uncertain significance (3). Last evaluated 2023-11-10.

Conditions:
Meckel-Gruber syndrome. Also called: DYSENCEPHALIA SPLANCHNOCYSTICA; GRUBER SYNDROME; Dysencephalia splachnocystica. Identifiers: Orphanet 564, MedGen C0265215, MONDO:0018921.
Joubert syndrome. Also called: CEREBELLOPARENCHYMAL DISORDER IV; JOUBERT-BOLTSHAUSER SYNDROME; Familial aplasia of the vermis. Identifiers: Orphanet 475, MedGen C5979921, MONDO:0018772.
Meckel syndrome, type 5 (MKS5). Identifiers: Orphanet 564, MedGen C1969052, MONDO:0012695, OMIM 611561.
Joubert syndrome 7 (JBTS7). Identifiers: Orphanet 220497, MedGen C1969053, MONDO:0012694, OMIM 611560.
COACH syndrome 3. Identifiers: MedGen C5436841, MONDO:0030862, OMIM 619113.
Inborn genetic diseases. Identifiers: MedGen C0950123, MeSH D030342.

gnomAD v4.1: 5 of 1,612,920 alleles (0.00031%); highest among the groups gnomAD compares: East Asian, 0.0067%; no homozygotes.

Submissions (3):

Ambry Genetics
Classification: Uncertain significance for Inborn genetic diseases. Last evaluated: 2023-11-10. Review status: criteria provided, single submitter. Criteria: Ambry Variant Classification Scheme 2023. Collection method: clinical testing. Allele origin: germline.

Labcorp Genetics (formerly Invitae), Labcorp
Classification: Uncertain significance for Joubert syndrome; Meckel-Gruber syndrome. Last evaluated: 2022-09-01. Review status: criteria provided, single submitter. Criteria: Invitae Variant Classification Sherloc (09022015). Collection method: clinical testing. Allele origin: germline.
Comment: This sequence change replaces alanine, which is neutral and non-polar, with threonine, which is neutral and polar, at codon 573 of the RPGRIP1L protein (p.Ala573Thr). This variant is not present in population databases (gnomAD no frequency). This variant has not been reported in the literature in individuals affected with RPGRIP1L-related conditions. ClinVar contains an entry for this variant (Variation ID: 1509164). Algorithms developed to predict the effect of missense changes on protein structure and function (SIFT, PolyPhen-2, Align-GVGD) all suggest that this variant is likely to be disruptive. In summary, the available evidence is currently insufficient to determine the role of this variant in disease. Therefore, it has been classified as a Variant of Uncertain Significance.

Fulgent Genetics
Classification: Uncertain significance for Joubert syndrome 7; Meckel syndrome, type 5; COACH syndrome 3. Last evaluated: 2021-12-21. Review status: criteria provided, single submitter. Criteria: ACMG Guidelines, 2015. Collection method: clinical testing. Allele origin: unknown.

NM_015272.5(RPGRIP1L):c.1717G>A (p.Ala573Thr)

Gene: RPGRIP1L (RPGRIP1 like; minus strand). Cytogenetic location: 16q12.2.
Variant type: single nucleotide variant.
Coding change: c.1717G>A on transcript NM_015272.5 (MANE Select); coding-DNA position 1717, G replaced by A.
Protein change: p.Ala573Thr; replaces alanine 573 with threonine.
Molecular consequence: missense variant.
Genome position (GRCh38, 1-based): chr16:53,652,970, C>T on the plus strand (G>A on the coding strand, the complement: RPGRIP1L is on the minus strand). VCF-style: chr16-53652970-C-T. GRCh37 (hg19) VCF-style: chr16-53686882-C-T.
Other names: c.1717G>A, p.Ala573Thr (NM_001127897.4, NM_001308334.3, NM_001330538.2); c.1717G>A (NM_015272.2); short protein forms A573T.
Identifiers: ClinVar variation 1509164 (VCV001509164.5), dbSNP rs2151128525, ClinGen allele CA395917485.